The following is an entry in ClinVar:

NM_003922.4(HERC1):c.8504del (p.Gly2835fs)

Gene: HERC1 (HECT and RLD domain containing E3 ubiquitin protein ligase family member 1; minus strand). Cytogenetic location: 15q22.31.
Variant type: Deletion.
Coding change: c.8504del on transcript NM_003922.4 (MANE Select); coding-DNA position 8504, one base deleted (G; older notation c.8504delG).
Protein change: p.Gly2835fs; shifts the reading frame from glycine 2835.
Molecular consequence: frameshift variant.
Genome position (GRCh38, 1-based): chr15:63,665,970, C deleted on the plus strand (G on the coding strand, the reverse complement: HERC1 is on the minus strand); the first of 2 consecutive C bases (chr15:63,665,970-63,665,971); deleting either gives the same sequence. VCF-style (leftmost placement, unchanged base first): chr15-63665969-TC-T. GRCh37 (hg19) VCF-style: chr15-63958168-TC-T.
Other names: c.8504delG (NM_003922.4); short protein forms G2835fs.
Identifiers: ClinVar variation 3251447 (VCV003251447.1), dbSNP rs2551285409.
Genomic context (GRCh38, chr15:63,665,969, plus strand): 5'-GGAATTTCACCTTTCACTAAAACCTTCCTCCATTTCAGCAGCATCAGCTGATGGTATGTC[TC>T]CAGGTGACTGCAAATAACAGGGATCATTTGACTTCCCGCCACTGCCTAGAACGGCTGCTC-3'

ClinVar aggregate classification (germline): Pathogenic (1 of 4 stars; one submission).

Conditions:
Macrocephaly, dysmorphic facies, and psychomotor retardation (MDFPMR). Identifiers: Orphanet 457359, MedGen C4310766, MONDO:0014863, OMIM 617011.

Submission:

Women's Health and Genetics/Laboratory Corporation of America, LabCorp
Classification: Pathogenic for Macrocephaly, dysmorphic facies, and psychomotor retardation. Last evaluated: 2024-04-08. Review status: criteria provided, single submitter. Criteria: LabCorp Variant Classification Summary - May 2015. Collection method: clinical testing. Allele origin: germline.
Comment: Variant summary: HERC1 c.8504delG (p.Gly2835GlufsX42) results in a premature termination codon, predicted to cause absence of the protein due to nonsense mediated decay, which is a commonly known mechanism for disease. The variant was absent in 249228 control chromosomes (gnomAD). To our knowledge, no occurrence of c.8504delG in individuals affected with Macrocephaly, Dysmorphic Facies, And Psychomotor Retardation and no experimental evidence demonstrating its impact on protein function have been reported. No submitters have cited clinical-significance assessments for this variant to ClinVar. Based on the evidence outlined above, the variant was classified as pathogenic.